The following is an entry in ClinVar:

ClinVar aggregate classification (germline): Benign/Likely benign. Review status: criteria provided, multiple submitters, no conflicts (2 of 4 stars). 3 submissions from 3 submitters: Benign (1); Likely benign (2). Last evaluated 2026-07-15.

Conditions:
Hereditary cancer-predisposing syndrome. Also called: Hereditary neoplastic syndrome; Neoplastic Syndromes, Hereditary; Tumor predisposition; Hereditary Cancer Syndrome. Identifiers: Orphanet 140162, MedGen C0027672, MeSH D009386, MONDO:0015356.
Rhabdoid tumor predisposition syndrome 2 (RTPS2). Identifiers: Orphanet 231108, Orphanet 69077, MedGen C2750074, MONDO:0013224, OMIM 613325.

Submissions (3):

Myriad Genetics, Inc.
Classification: Benign for Rhabdoid tumor predisposition syndrome 2. Last evaluated: 2026-07-15. Review status: criteria provided, single submitter. Criteria: Myriad Autosomal Dominant, Autosomal Recessive and X-Linked Classification Criteria (2023). Collection method: clinical testing. Allele origin: unknown.
Comment: This variant is considered benign. This variant is a silent/synonymous amino acid change and it is not expected to impact splicing.

Labcorp Genetics (formerly Invitae), Labcorp
Classification: Likely benign for Rhabdoid tumor predisposition syndrome 2. Last evaluated: 2025-11-18. Review status: criteria provided, single submitter. Criteria: Invitae Variant Classification Sherloc (09022015). Collection method: clinical testing. Allele origin: germline.

Ambry Genetics
Classification: Likely benign for Hereditary cancer-predisposing syndrome. Last evaluated: 2023-09-19. Review status: criteria provided, single submitter. Criteria: Ambry Variant Classification Scheme 2023. Collection method: clinical testing. Allele origin: germline.

NM_003072.5(SMARCA4):c.3852C>T (p.Asp1284=)

Gene: SMARCA4 (SWI/SNF related BAF chromatin remodeling complex subunit ATPase 4; plus strand). Cytogenetic location: 19p13.2.
Variant type: single nucleotide variant.
Coding change: c.3852C>T on transcript NM_003072.5 (MANE Select); coding-DNA position 3852, C replaced by T.
Protein change: p.Asp1284=; no amino-acid change (aspartic acid 1284 retained).
Molecular consequence: synonymous variant. On other transcripts: intron variant (5).
Genome position (GRCh38, 1-based): chr19:11,033,844, C>T. VCF-style: chr19-11033844-C-T. GRCh37 (hg19) VCF-style: chr19-11144520-C-T.
Other names: c.3852C>T, p.Asp1284= (NM_001128844.3, NM_001128849.3); c.3775-279C>T (NM_001128847.4, NM_001374457.1, NM_001128845.2 and 2 more transcripts).
Identifiers: ClinVar variation 702884 (VCV000702884.12), dbSNP rs1600394030, ClinGen allele CA505743769.
Genomic context (GRCh38, chr19:11,033,844, plus strand): 5'-GGGCAGCGGCAGTGCCAGCTTCGCCCACACTGCCCCTCCGCCAGCGGGCGTCAACCCCGA[C>T]TTGGAGGAGCCACCTCTAAAGGTGAGAGGGGTAGTTCAGTCTCCATGCCCATTCAATCCT-3'
Protein context (NP_003063.2, residues 1274-1294): TAPPPAGVNP[Asp1284=]LEEPPLKEED